The following is an entry in ClinVar:

ClinVar aggregate classification (germline): Uncertain significance (1 of 4 stars; one submission).

Conditions:
Hereditary cancer-predisposing syndrome. Also called: Neoplastic Syndromes, Hereditary; Tumor predisposition; Hereditary Cancer Syndrome; Hereditary neoplastic syndrome. Identifiers: Orphanet 140162, MedGen C0027672, MeSH D009386, MONDO:0015356.

Submission:

Ambry Genetics
Classification: Uncertain significance for Hereditary cancer-predisposing syndrome. Last evaluated: 2020-12-11. Review status: criteria provided, single submitter. Criteria: Ambry Variant Classification Scheme 2023. Collection method: clinical testing. Allele origin: germline.
Comment: The p.H57Y variant (also known as c.169C>T), located in coding exon 2 of the SDHB gene, results from a C to T substitution at nucleotide position 169. The histidine at codon 57 is replaced by tyrosine, an amino acid with similar properties. This amino acid position is not well conserved in available vertebrate species. In addition, the in silico prediction for this alteration is inconclusive. Since supporting evidence is limited at this time, the clinical significance of this alteration remains unclear.

NM_003000.3(SDHB):c.169C>T (p.His57Tyr)

Gene: SDHB (succinate dehydrogenase complex iron sulfur subunit B; minus strand). Cytogenetic location: 1p36.13.
Variant type: single nucleotide variant.
Coding change: c.169C>T on transcript NM_003000.3 (MANE Select); coding-DNA position 169, C replaced by T.
Protein change: p.His57Tyr; replaces histidine 57 with tyrosine.
Molecular consequence: missense variant.
Genome position (GRCh38, 1-based): chr1:17,044,792, G>A on the plus strand (C>T on the coding strand, the complement: SDHB is on the minus strand). VCF-style: chr1-17044792-G-A. GRCh37 (hg19) VCF-style: chr1-17371287-G-A.
Other names: c.169C>T, p.His57Tyr (NM_001407361.1); short protein forms H57Y.
Identifiers: ClinVar variation 1778309 (VCV001778309.2), dbSNP rs2525059570, ClinGen allele CA338227835.